The following is an entry in ClinVar:

NM_198334.3(GANAB):c.2588G>A (p.Arg863His)

Gene: GANAB (glucosidase II alpha subunit; minus strand). Cytogenetic location: 11q12.3.
Variant type: single nucleotide variant.
Coding change: c.2588G>A on transcript NM_198334.3 (MANE Select); coding-DNA position 2588, G replaced by A.
Protein change: p.Arg863His; replaces arginine 863 with histidine.
Molecular consequence: missense variant.
Genome position (GRCh38, 1-based): chr11:62,626,371, C>T on the plus strand (G>A on the coding strand, the complement: GANAB is on the minus strand). VCF-style: chr11-62626371-C-T. GRCh37 (hg19) VCF-style: chr11-62393843-C-T.
Other names: c.2312G>A, p.Arg771His (NM_001278192.2); c.2246G>A, p.Arg749His (NM_001278193.2); c.2297G>A, p.Arg766His (NM_001278194.2, NM_001329222.2, NM_001329223.2); c.1865G>A, p.Arg622His (NM_001329224.2, NM_001329225.2); c.2654G>A, p.Arg885His (NM_198335.4); short protein forms R622H, R749H, R766H, R771H, R863H, R885H.
Identifiers: ClinVar variation 1306284 (VCV001306284.7), dbSNP rs146501208, ClinGen allele CA6050403.

ClinVar aggregate classification (germline): Conflicting classifications of pathogenicity. Review status: criteria provided, conflicting classifications (1 of 4 stars). 3 submissions from 3 submitters: Uncertain significance (1); Likely benign (1). 1 of the submissions does not count toward it. Last evaluated 2025-12-31.

Conditions:
GANAB-related disorder. Also called: GANAB-related condition.

Allele frequency attached by ClinVar (database versions not stated): ExAC 0.00007; gnomAD exomes 0.00012; ESP Exome Variant Server 0.00023.
gnomAD v4.1: 160 of 1,612,998 alleles (0.0099%); highest among the groups gnomAD compares: Middle Eastern, 0.016%; no homozygotes.

Submissions (3):

Labcorp Genetics (formerly Invitae), Labcorp
Classification: Likely benign. Last evaluated: 2025-12-31. Review status: criteria provided, single submitter. Criteria: Invitae Variant Classification Sherloc (09022015). Collection method: clinical testing. Allele origin: germline.

GeneDx
Classification: Uncertain significance. Last evaluated: 2019-03-07. Review status: criteria provided, single submitter. Criteria: GeneDx Variant Classification Process June 2021. Collection method: clinical testing. Allele origin: germline. Affected: yes.
Comment: In silico analysis, which includes protein predictors and evolutionary conservation, supports a deleterious effect; Has not been previously published as pathogenic or benign to our knowledge

PreventionGenetics, part of Exact Sciences
Classification: Likely benign for GANAB-related condition. Last evaluated: 2020-07-15. Review status: no assertion criteria provided. Collection method: clinical testing. Allele origin: germline. Not counted in ClinVar's aggregate classification.
Comment: This variant is classified as likely benign based on ACMG/AMP sequence variant interpretation guidelines (Richards et al. 2015 PMID: 25741868, with internal and published modifications).